The following is an entry in ClinVar:

ClinVar aggregate classification (germline): Likely benign (1 of 4 stars; one submission).

Allele frequency attached by ClinVar (database versions not stated): TOPMed 0.00008; gnomAD 0.00031; ExAC 0.00056; gnomAD exomes 0.00058; 1000 Genomes Project 30x 0.00125; 1000 Genomes Project 0.00160.
gnomAD v4.1: 839 of 1,567,014 alleles (0.054%); highest among the groups gnomAD compares: East Asian, 1.9%; 21 homozygotes.

Submission:

CeGaT Center for Human Genetics Tuebingen
Classification: Likely benign. Last evaluated: 2023-10-01. Review status: criteria provided, single submitter. Criteria: CeGaT Center For Human Genetics Tuebingen Variant Classification Criteria Version 2. Collection method: clinical testing. Allele origin: germline. Affected: yes. Observed: 1 variant allele.
Comment: DNMT1: BP4, BP7, BS2

NM_001130823.3(DNMT1):c.4773+57C>T

Genes: DNMT1 (DNA methyltransferase 1; minus strand), LOC126862853 (CDK7 strongly-dependent group 2 enhancer GRCh37_chr19:10246117-10247316; plus strand). Cytogenetic location: 19p13.2.
Variant type: single nucleotide variant.
Coding change: c.4773+57C>T on transcript NM_001130823.3 (MANE Select); 57 bases into the intron after coding-DNA position 4773, C replaced by T.
Molecular consequence: intron variant.
Genome position (GRCh38, 1-based): chr19:10,135,679, G>A on the plus strand (C>T on the coding strand, the complement: DNMT1 is on the minus strand). VCF-style: chr19-10135679-G-A. GRCh37 (hg19) VCF-style: chr19-10246355-G-A.
Other names: c.4410+57C>T (NM_001318731.2); c.4725+57C>T (NM_001379.4); c.4734+57C>T (NM_001318730.2).
Identifiers: ClinVar variation 2649287 (VCV002649287.24), dbSNP rs139988162, ClinGen allele CA9187423.